The following is an entry in ClinVar:

NM_000365.6(TPI1):c.366dup (p.Gly123fs)

Gene: TPI1 (triosephosphate isomerase 1; plus strand). Cytogenetic location: 12p13.31.
Variant type: Duplication.
Coding change: c.366dup on transcript NM_000365.6 (MANE Select); coding-DNA position 366, one base duplicated (C; older notation c.366dupC).
Protein change: p.Gly123fs; shifts the reading frame from glycine 123.
Molecular consequence: frameshift variant.
Genome position (GRCh38, 1-based): chr12:6,869,299, C duplicated. VCF-style (leftmost placement, unchanged base first): chr12-6869298-T-TC. GRCh37 (hg19) VCF-style: chr12-6978462-T-TC.
Other names: c.477dup, p.Gly160fs (NM_001159287.1); c.120dup, p.Gly41fs (NM_001258026.2); short protein forms G41fs, G123fs, G160fs.
Identifiers: ClinVar variation 2063765 (VCV002063765.4), dbSNP rs2542450530, ClinGen allele CA2580086265.

ClinVar aggregate classification (germline): Pathogenic (1 of 4 stars; one submission).

Submission:

Labcorp Genetics (formerly Invitae), Labcorp
Classification: Pathogenic. Last evaluated: 2023-07-21. Review status: criteria provided, single submitter. Criteria: Invitae Variant Classification Sherloc (09022015). Collection method: clinical testing. Allele origin: germline.
Comment: ClinVar contains an entry for this variant (Variation ID: 2063765). For these reasons, this variant has been classified as Pathogenic. This variant has not been reported in the literature in individuals affected with TPI1-related conditions. This variant is not present in population databases (gnomAD no frequency). This sequence change creates a premature translational stop signal (p.Gly123Argfs*12) in the TPI1 gene. It is expected to result in an absent or disrupted protein product. Loss-of-function variants in TPI1 are known to be pathogenic (PMID: 7485100, 8807088, 20374271).

Literature cited by the submitters: PubMed 7485100; PubMed 8807088; PubMed 20374271.